The following is an entry in ClinVar:

NM_172107.4(KCNQ2):c.635A>T (p.Asp212Val)

Gene: KCNQ2 (potassium voltage-gated channel subfamily Q member 2; minus strand). Cytogenetic location: 20q13.33.
Variant type: single nucleotide variant.
Coding change: c.635A>T on transcript NM_172107.4 (MANE Select); coding-DNA position 635, A replaced by T.
Protein change: p.Asp212Val; replaces aspartic acid 212 with valine.
Molecular consequence: missense variant.
Genome position (GRCh38, 1-based): chr20:63,444,714, T>A on the plus strand (A>T on the coding strand, the complement: KCNQ2 is on the minus strand). VCF-style: chr20-63444714-T-A. GRCh37 (hg19) VCF-style: chr20-62076067-T-A.
Other names: c.635A>T, p.Asp212Val (NM_004518.6, NM_172106.3, NM_172108.5 and 1 more transcripts); short protein forms D212V.
Identifiers: ClinVar variation 420930 (VCV000420930.2), dbSNP rs118192202, ClinGen allele CA16620975.

ClinVar aggregate classification (germline): Likely pathogenic (1 of 4 stars; one submission).

Submission:

GeneDx
Classification: Likely pathogenic. Last evaluated: 2016-04-11. Review status: criteria provided, single submitter. Criteria: GeneDx Variant Classification (06012015). Collection method: clinical testing. Allele origin: germline. Affected: yes.
Comment: A novel D212V variant that is likely pathogenic has been identified in the KCNQ2 gene. The D212V variant has not been published as a pathogenic variant, nor has it been reported as a benign variant to our knowledge. It was not observed in approximately 6,500 individuals of European and African American ancestry in the NHLBI Exome Sequencing Project, indicating it is not a common benign variant in these populations. The D212V variant is a non-conservative amino acid substitution, which is likely to impact secondary protein structure as these residues differ in polarity, charge, size and/or other properties. This substitution occurs at a conserved position predicted to be within the voltage-sensor S4 transmembrane segment of the KCNQ2 protein. A different missense variant in the same residue (D212G) as well as multiple missense variants in nearby residues have been reported in the Human Gene Mutation Database in association with KCNQ2-related disorders (Stenson et al., 2014), supporting the functional importance of this region of the protein. Additionally, in silico analysis predicts this variant is probably damaging to the protein structure/function. Therefore, this variant is likely pathogenic; however, the possibility that it is benign cannot be excluded.